The following is an entry in ClinVar:

NM_015202.5(KATNIP):c.3603G>A (p.Thr1201=)

Gene: KATNIP (katanin interacting protein; plus strand). Cytogenetic location: 16p12.1.
Variant type: single nucleotide variant.
Coding change: c.3603G>A on transcript NM_015202.5 (MANE Select); coding-DNA position 3603, G replaced by A.
Protein change: p.Thr1201=; no amino-acid change (threonine 1201 retained).
Molecular consequence: synonymous variant.
Genome position (GRCh38, 1-based): chr16:27,754,223, G>A. VCF-style: chr16-27754223-G-A. GRCh37 (hg19) VCF-style: chr16-27765544-G-A.
Identifiers: ClinVar variation 2163139 (VCV002163139.6), dbSNP rs757703261, ClinGen allele CA7978320.

ClinVar aggregate classification (germline): Likely benign. Review status: criteria provided, multiple submitters, no conflicts (2 of 4 stars). 3 submissions from 3 submitters: Likely benign (3). Last evaluated 2026-09-01.

Allele frequency attached by ClinVar (database versions not stated): gnomAD exomes 0.00001; ExAC 0.00003; gnomAD 0.00003.
gnomAD v4.1: 27 of 1,614,108 alleles (0.0017%); highest among the groups gnomAD compares: Admixed American, 0.012%; no homozygotes.

Submissions (3):

CeGaT Center for Human Genetics Tuebingen
Classification: Likely benign. Last evaluated: 2026-09-01. Review status: criteria provided, single submitter. Criteria: CeGaT Center For Human Genetics Tuebingen Variant Classification Criteria Version 2. Collection method: clinical testing. Allele origin: germline. Affected: yes. Observed: 1 variant allele.
Comment: KATNIP: BP4, BP7

Labcorp Genetics (formerly Invitae), Labcorp
Classification: Likely benign. Last evaluated: 2025-09-02. Review status: criteria provided, single submitter. Criteria: Invitae Variant Classification Sherloc (09022015). Collection method: clinical testing. Allele origin: germline.

Blueprint Genetics
Classification: Likely benign. Last evaluated: 2024-09-17. Review status: criteria provided, single submitter. Criteria: ACMG Guidelines, 2015. Collection method: clinical testing. Allele origin: germline.